The following is an entry in ClinVar:

NM_000016.6(ACADM):c.[351A>C;362C>T]

Variant type: Haplotype.
Identifiers: ClinVar variation 2503903 (VCV002503903.1).

ClinVar aggregate classification (germline): Uncertain significance (1 of 4 stars; one submission).

Submission:

Women's Health and Genetics/Laboratory Corporation of America, LabCorp
Classification: Uncertain significance. Last evaluated: 2023-04-10. Review status: criteria provided, single submitter. Criteria: LabCorp Variant Classification Summary - May 2015. Collection method: clinical testing. Allele origin: germline.
Comment: Variant summary: ACADM c.[351A>C;362C>T] (p.[Thr117Thr;Thr121Ile]) variant is a complex allele and involves the alteration of multiple nucleotides. While c.351A>C in isolation is considered a benign variant (ClinVar ID 92263) with a high frequency of 0.02935 including 211 homozygotes in the gnomAD database, c.362C>T is present at a frequency of 0.00001193 with no homozygotes in the gnomAD database and has been classified as a pathogenic variant in isolation (ClinVar ID 3599). A likely co-occurrence of these two variants in cis has not been observed in the gnomAD database. Therefore, this complex allele variant was absent in 251832 control chromosomes (gnomAD). The available data on variant occurrences in the general population are insufficient to allow any conclusion about variant significance. To our knowledge, c.[351A>C;362C>T] has not been reported in the literature in individuals affected with Medium Chain Acyl-CoA Dehydrogenase Deficiency. These report(s) do not provide unequivocal conclusions about association of this complex allele variant with Medium Chain Acyl-CoA Dehydrogenase Deficiency. At least one publication reports experimental evidence demonstrating that flanking variation such as c.351A>C does not affect splicing when found in isolation and is able to neutralize the negative effect of the c.362C>T variant on exon 5 skipping, when it occurs in cis, allowing correct splicing independent of the c.362C exon splicing enhancer (ESE) (Nielsen_2007). No clinical diagnostic laboratories have submitted clinical-significance assessments for this complex allele variant to ClinVar after 2014. Based on the evidence outlined above, the complex allele variant was classified as uncertain significance.

Literature cited by the submitters: PubMed 11349232; PubMed 17273963; PubMed 20567907; PubMed 18241067.